The following is an entry in ClinVar:

NM_031889.3(ENAM):c.898C>T (p.Gln300Ter)

Gene: ENAM (enamelin; plus strand). Cytogenetic location: 4q13.3.
Variant type: single nucleotide variant.
Coding change: c.898C>T on transcript NM_031889.3 (MANE Select); coding-DNA position 898, C replaced by T.
Protein change: p.Gln300Ter; replaces glutamine 300 with a stop codon.
Molecular consequence: nonsense.
Genome position (GRCh38, 1-based): chr4:70,642,324, C>T. VCF-style: chr4-70642324-C-T. GRCh37 (hg19) VCF-style: chr4-71508041-C-T.
Other names: c.244C>T, p.Gln82Ter (NM_001368133.1); short protein forms Q300*, Q82*.
Identifiers: ClinVar variation 4994967 (VCV004994967.1).

ClinVar aggregate classification (germline): Likely pathogenic (1 of 4 stars; one submission).

Conditions:
ENAM-related disorder. Also called: ENAM-related condition.

gnomAD v4.1: 8 of 1,614,170 alleles (0.0005%); highest among the groups gnomAD compares: Non-Finnish European, 0.00068%; no homozygotes.

Submission:

PreventionGenetics, part of Exact Sciences
Classification: Likely pathogenic for ENAM-related condition. Last evaluated: 2026-09-02. Review status: criteria provided, single submitter. Criteria: ACMG Guidelines, 2015. Collection method: clinical testing. Allele origin: germline.
Comment: The ENAM c.898C>T variant is predicted to result in premature protein termination (p.Gln300*). To our knowledge, this variant has not been reported in the literature or in a large population database (gnomAD), indicating this variant is rare. Nonsense variants in ENAM are expected to be pathogenic. This variant is interpreted as likely pathogenic.